The following is an entry in ClinVar:

ClinVar aggregate classification (germline): Pathogenic. Review status: criteria provided, multiple submitters, no conflicts (2 of 4 stars). 4 submissions from 4 submitters: Pathogenic (4). Last evaluated 2025-02-12.

Conditions:
Familial cancer of breast. Also called: BREAST CANCER, FAMILIAL; Hereditary breast cancer; hereditary breast carcinoma. Identifiers: Orphanet 227535, MedGen C0346153, MONDO:0016419, OMIM 114480. Disease mechanism: loss of function.
Hereditary cancer-predisposing syndrome. Also called: Neoplastic Syndromes, Hereditary; Tumor predisposition; Hereditary neoplastic syndrome; Hereditary Cancer Syndrome. Identifiers: Orphanet 140162, MedGen C0027672, MeSH D009386, MONDO:0015356.

Submissions (4):

Labcorp Genetics (formerly Invitae), Labcorp
Classification: Pathogenic for Familial cancer of breast. Last evaluated: 2025-02-12. Review status: criteria provided, single submitter. Criteria: Invitae Variant Classification Sherloc (09022015). Collection method: clinical testing. Allele origin: germline.
Comment: This sequence change creates a premature translational stop signal (p.Leu176Argfs*7) in the PALB2 gene. It is expected to result in an absent or disrupted protein product. Loss-of-function variants in PALB2 are known to be pathogenic (PMID: 17200668, 17200671, 17200672, 24136930, 25099575). This variant is not present in population databases (gnomAD no frequency). This premature translational stop signal has been observed in individual(s) with breast cancer (PMID: 32427313). ClinVar contains an entry for this variant (Variation ID: 825606). For these reasons, this variant has been classified as Pathogenic.

Myriad Genetics, Inc.
Classification: Pathogenic for Familial cancer of breast. Last evaluated: 2023-09-06. Review status: criteria provided, single submitter. Criteria: Myriad Autosomal Dominant, Autosomal Recessive and X-Linked Classification Criteria (2023). Collection method: clinical testing. Allele origin: unknown.
Comment: This variant is considered pathogenic. This variant creates a frameshift predicted to result in premature protein truncation.

Ambry Genetics
Classification: Pathogenic for Hereditary cancer-predisposing syndrome. Last evaluated: 2023-07-06. Review status: criteria provided, single submitter. Criteria: Ambry Variant Classification Scheme 2023. Collection method: clinical testing. Allele origin: germline.
Comment: The c.527_531delTAAAG pathogenic mutation, located in coding exon 4 of the PALB2 gene, results from a deletion of 5 nucleotides at nucleotide positions 527 to 531, causing a translational frameshift with a predicted alternate stop codon (p.L176Rfs*7). This alteration is expected to result in loss of function by premature protein truncation or nonsense-mediated mRNA decay. As such, this alteration is interpreted as a disease-causing mutation.

Color Diagnostics, LLC DBA Color Health
Classification: Pathogenic for Hereditary cancer-predisposing syndrome. Last evaluated: 2022-09-12. Review status: criteria provided, single submitter. Criteria: ACMG Guidelines, 2015. Collection method: clinical testing. Allele origin: germline.
Comment: This variant deletes 5 nucleotides in exon 4 of the PALB2 gene, creating a frameshift and premature translation stop signal. This variant is expected to result in an absent or non-functional protein product. To our knowledge, this variant has not been reported in individuals affected with hereditary cancer in the literature. This variant has not been identified in the general population by the Genome Aggregation Database (gnomAD). Loss of PALB2 function is a known mechanism of disease. Based on the available evidence, this variant is classified as Pathogenic.

Literature cited by the submitters: PubMed 17200668 (cited by Labcorp Genetics (formerly Invitae), Labcorp); PubMed 17200671 (cited by Labcorp Genetics (formerly Invitae), Labcorp); PubMed 17200672 (cited by Labcorp Genetics (formerly Invitae), Labcorp); PubMed 24136930 (cited by Labcorp Genetics (formerly Invitae), Labcorp); PubMed 25099575 (cited by Labcorp Genetics (formerly Invitae), Labcorp); PubMed 32427313 (cited by Labcorp Genetics (formerly Invitae), Labcorp).

NM_024675.4(PALB2):c.527_531del (p.Leu176fs)

Gene: PALB2 (partner and localizer of BRCA2; minus strand). Cytogenetic location: 16p12.2.
Variant type: Deletion.
Coding change: c.527_531del on transcript NM_024675.4 (MANE Select); coding-DNA positions 527 to 531, 5 bases deleted (TAAAG; older notation c.527_531delTAAAG).
Protein change: p.Leu176fs; shifts the reading frame from leucine 176.
Molecular consequence: frameshift variant.
Genome position (GRCh38, 1-based): chr16:23,636,015-23,636,019, CTTTA deleted on the plus strand (TAAAG on the coding strand, the reverse complement: PALB2 is on the minus strand). VCF-style (leftmost placement, unchanged base first): chr16-23636014-CCTTTA-C. GRCh37 (hg19) VCF-style: chr16-23647335-CCTTTA-C.
Other names: short protein forms L176fs.
Identifiers: ClinVar variation 825606 (VCV000825606.9), dbSNP rs1597098971, ClinGen allele CA915949133.